The following is an entry in ClinVar:

ClinVar aggregate classification (germline): Likely benign. Review status: criteria provided, multiple submitters, no conflicts (2 of 4 stars). 6 submissions from 6 submitters: Likely benign (5). 1 of the submissions does not count toward it. Last evaluated 2026-01-18.

Conditions:
MUTYH-related disorder. Also called: MUTYH-related condition; MUTYH-related disorders.
Hereditary cancer-predisposing syndrome. Also called: Hereditary neoplastic syndrome; Neoplastic Syndromes, Hereditary; Hereditary Cancer Syndrome; Tumor predisposition. Identifiers: Orphanet 140162, MedGen C0027672, MeSH D009386, MONDO:0015356.
Familial adenomatous polyposis 2. Also called: COLORECTAL ADENOMATOUS POLYPOSIS, AUTOSOMAL RECESSIVE; ADENOMAS, MULTIPLE COLORECTAL, AUTOSOMAL RECESSIVE; MUTYH-related attenuated familial adenomatous polyposis; MYH-associated polyposis; MUTYH Polyposis; FAP type 2. Identifiers: Orphanet 220460, Orphanet 247798, MedGen C3272841, MONDO:0012041, OMIM 608456.

Allele frequency attached by ClinVar (database versions not stated): gnomAD 0.00001; gnomAD exomes 0.00001; TOPMed 0.00001; ExAC 0.00002; ESP Exome Variant Server 0.00008.
gnomAD v4.1: 8 of 1,614,050 alleles (0.0005%); highest among the groups gnomAD compares: South Asian, 0.0011%; no homozygotes.

Submissions (6):

Labcorp Genetics (formerly Invitae), Labcorp
Classification: Likely benign for Familial adenomatous polyposis 2. Last evaluated: 2026-01-18. Review status: criteria provided, single submitter. Criteria: Invitae Variant Classification Sherloc (09022015). Collection method: clinical testing. Allele origin: germline.

All of Us Research Program, National Institutes of Health
Classification: Likely benign for Familial adenomatous polyposis 2. Last evaluated: 2023-11-30. Review status: criteria provided, single submitter. Criteria: ACMG Guidelines, 2015. Collection method: clinical testing. Allele origin: germline. Inheritance: Autosomal recessive inheritance. Observed: 2 variant alleles, 2 heterozygotes.
Comment: This study involves interpretation of variants in research participants for the purpose of population health screening. Participant phenotype was not available at the time of variant classification. Additional details can be found in publication PMID: 35346344, PMCID: PMC8962531

Department of Pathology and Laboratory Medicine, Sinai Health System
Classification: Likely benign for Familial adenomatous polyposis 2. Last evaluated: 2023-10-23. Review status: criteria provided, single submitter. Criteria: ACMG Guidelines, 2015. Collection method: clinical testing. Allele origin: germline. Affected: yes.

Color Diagnostics, LLC DBA Color Health
Classification: Likely benign for Hereditary cancer-predisposing syndrome. Last evaluated: 2018-04-30. Review status: criteria provided, single submitter. Criteria: ACMG Guidelines, 2015. Collection method: clinical testing. Allele origin: germline.

Ambry Genetics
Classification: Likely benign for Hereditary cancer-predisposing syndrome. Last evaluated: 2015-08-15. Review status: criteria provided, single submitter. Criteria: Ambry Variant Classification Scheme 2023. Collection method: clinical testing. Allele origin: germline.

PreventionGenetics, part of Exact Sciences
Classification: Likely benign for MUTYH-related condition. Last evaluated: 2019-12-03. Review status: no assertion criteria provided. Collection method: clinical testing. Allele origin: germline. Not counted in ClinVar's aggregate classification.
Comment: This variant is classified as likely benign based on ACMG/AMP sequence variant interpretation guidelines (Richards et al. 2015 PMID: 25741868, with internal and published modifications).

NM_001048174.2(MUTYH):c.684C>T (p.Thr228=)

Gene: MUTYH (mutY DNA glycosylase; minus strand). Cytogenetic location: 1p34.1.
Variant type: single nucleotide variant.
Coding change: c.684C>T on transcript NM_001048174.2 (MANE Select); coding-DNA position 684, C replaced by T.
Protein change: p.Thr228=; no amino-acid change (threonine 228 retained).
Molecular consequence: synonymous variant. On other transcripts: non-coding transcript variant (2).
Genome position (GRCh38, 1-based): chr1:45,332,411, G>A on the plus strand (C>T on the coding strand, the complement: MUTYH is on the minus strand). VCF-style: chr1-45332411-G-A. GRCh37 (hg19) VCF-style: chr1-45798083-G-A.
Other names: c.684C>T, p.Thr228= (NM_001048171.2, NM_001048173.2, NM_001293195.2); c.687C>T, p.Thr229= (NM_001048172.2); c.768C>T, p.Thr256= (NM_001128425.2); c.729C>T, p.Thr243= (NM_001293190.2); c.717C>T, p.Thr239= (NM_001293191.2); c.408C>T, p.Thr136= (NM_001293192.2, NM_001293196.2); c.339C>T, p.Thr113= (NM_001350650.2, NM_001350651.2); c.759C>T, p.Thr253= (NM_012222.3).
Identifiers: ClinVar variation 414155 (VCV000414155.22), dbSNP rs372916108, ClinGen allele CA059036.